The following is an entry in ClinVar:

ClinVar aggregate classification (germline): Uncertain significance (1 of 4 stars; one submission).

Submission:

Dasa
Classification: Uncertain significance. Last evaluated: 2025-02-19. Review status: criteria provided, single submitter. Criteria: DASA Assertion Criteria. Collection method: clinical testing. Allele origin: germline.
Comment: NM_024876.4(COQ8B):c.494_496dup (p.Asn165dup) is an in-frame duplication predicted to duplicate asparagine at protein position 165 without shifting the reading frame. This variant is rare in population databases. The currently available literature and clinical evidence are not sufficient to establish a definitive association between this variant and the reported condition. Therefore, this variant is classified as a variant of uncertain significance.

NM_024876.4(COQ8B):c.491ACA[3] (p.Asn165_Ser166insAsn)

Gene: COQ8B (coenzyme Q8B; minus strand). Cytogenetic location: 19q13.2.
Variant type: Microsatellite.
Coding change: c.491ACA[3] on transcript NM_024876.4 (MANE Select); three copies in a row of the 3-base unit ACA starting at c.491; the reference has two copies in a row; one copy, 3 bases duplicated; also written c.494_496dup.
Protein change: p.Asn165_Ser166insAsn.
Molecular consequence: inframe insertion.
Genome position (GRCh38, 1-based): chr19:40,705,176-40,705,178, TGT duplicated on the plus strand (ACA on the coding strand, the reverse complement: COQ8B is on the minus strand); duplicating any 3 consecutive bases within chr19:40,705,176-40,705,181 gives the same sequence; the position shown is the placement nearest the transcript's 3' end. VCF-style (leftmost placement, unchanged base first): chr19-40705175-C-CTGT. GRCh37 (hg19) VCF-style: chr19-41211080-C-CTGT.
Other names: c.368ACA[3], p.Asn124_Ser125insAsn (NM_001142555.3); c.494_496dup (NM_024876.4).
Identifiers: ClinVar variation 4884056 (VCV004884056.2).
Genomic context (GRCh38, chr19:40,705,175, plus strand): 5'-ATGAAGTCGGCGCTCTGGCGGACCCGCTCAAAGATGTGCTGCAGCTGAGGGCTGATGAAG[C>CTGT]TGTTGTCTTGGGAGACAGTGGAACCAGGGGGGAAGTAAGCGAAGAGGTGAGGAGGGACCC-3'